The following is an entry in ClinVar:

NM_001387690.1(KATNAL2):c.1396T>C (p.Ser466Pro)

Gene: KATNAL2 (katanin catalytic subunit A1 like 2; plus strand). Cytogenetic location: 18q21.1.
Variant type: single nucleotide variant.
Coding change: c.1396T>C on transcript NM_001387690.1 (MANE Select); coding-DNA position 1396, T replaced by C.
Protein change: p.Ser466Pro; replaces serine 466 with proline.
Molecular consequence: missense variant. On other transcripts: non-coding transcript variant (1).
Genome position (GRCh38, 1-based): chr18:47,100,275, T>C. VCF-style: chr18-47100275-T-C. GRCh37 (hg19) VCF-style: chr18-44626646-T-C.
Other names: c.1474T>C, p.Ser492Pro (NM_001353899.1); c.1471T>C, p.Ser491Pro (NM_001353900.1); c.1063T>C, p.Ser355Pro (NM_001353903.1); c.964T>C, p.Ser322Pro (NM_001353904.1); c.1396T>C, p.Ser466Pro (NM_001367621.1); c.1180T>C, p.Ser394Pro (NM_031303.3); short protein forms S322P, S492P, S491P, S466P, S355P, S394P.
Identifiers: ClinVar variation 1742196 (VCV001742196.2), dbSNP rs2511789610, ClinGen allele CA402393431.

ClinVar aggregate classification (germline): Uncertain significance (1 of 4 stars; one submission).

Submission:

Ambry Genetics
Classification: Uncertain significance. Last evaluated: 2020-05-18. Review status: criteria provided, single submitter. Criteria: Ambry Variant Classification Scheme 2023. Collection method: clinical testing. Allele origin: germline.
Comment: The p.S394P variant (also known as c.1180T>C), located in coding exon 13 of the KATNAL2 gene, results from a T to C substitution at nucleotide position 1180. The serine at codon 394 is replaced by proline, an amino acid with similar properties. This amino acid position is highly conserved in available vertebrate species. In addition, this alteration is predicted to be deleterious by in silico analysis. Since supporting evidence is limited at this time, the clinical significance of this alteration remains unclear.